The following is an entry in ClinVar:

ClinVar aggregate classification (germline): Uncertain significance (1 of 4 stars; one submission).

Conditions:
Severe early-onset pulmonary alveolar proteinosis due to MARS deficiency. Also called: PULMONARY ALVEOLAR PROTEINOSIS, REUNION ISLAND; Interstitial lung and liver disease. Identifiers: Orphanet 440427, MedGen C4225400, MONDO:0014206, OMIM 615486.
Charcot-Marie-Tooth disease axonal type 2U. Also called: CHARCOT-MARIE-TOOTH NEUROPATHY, TYPE 2U; CHARCOT-MARIE-TOOTH DISEASE, AXONAL, AUTOSOMAL DOMINANT, TYPE 2U. Identifiers: Orphanet 397735, MedGen C4084821, MONDO:0014566, OMIM 616280.

Submission:

Labcorp Genetics (formerly Invitae), Labcorp
Classification: Uncertain significance for Charcot-Marie-Tooth disease axonal type 2U; Severe early-onset pulmonary alveolar proteinosis due to MARS deficiency. Last evaluated: 2021-08-27. Review status: criteria provided, single submitter. Criteria: Invitae Variant Classification Sherloc (09022015). Collection method: clinical testing. Allele origin: germline.
Comment: In summary, the available evidence is currently insufficient to determine the role of this variant in disease. Therefore, it has been classified as a Variant of Uncertain Significance. Algorithms developed to predict the effect of missense changes on protein structure and function are either unavailable or do not agree on the potential impact of this missense change (SIFT: "Tolerated"; PolyPhen-2: "Possibly Damaging"; Align-GVGD: "Class C0"). This variant has not been reported in the literature in individuals affected with MARS-related conditions. This variant is not present in population databases (ExAC no frequency). This sequence change replaces valine with methionine at codon 39 of the MARS protein (p.Val39Met). The valine residue is moderately conserved and there is a small physicochemical difference between valine and methionine.

NM_004990.4(MARS1):c.115G>A (p.Val39Met)

Gene: MARS1 (methionyl-tRNA synthetase 1; plus strand). Cytogenetic location: 12q13.3.
Variant type: single nucleotide variant.
Coding change: c.115G>A on transcript NM_004990.4 (MANE Select); coding-DNA position 115, G replaced by A.
Protein change: p.Val39Met; replaces valine 39 with methionine.
Molecular consequence: missense variant.
Genome position (GRCh38, 1-based): chr12:57,489,024, G>A. VCF-style: chr12-57489024-G-A. GRCh37 (hg19) VCF-style: chr12-57882807-G-A.
Other names: short protein forms V39M.
Identifiers: ClinVar variation 1681675 (VCV001681675.6), dbSNP rs564742568, ClinGen allele CA385490236.